The following is an entry in ClinVar:

ClinVar aggregate classification (germline): Uncertain significance (1 of 4 stars; one submission).

Conditions:
Luscan-Lumish syndrome. Identifiers: Orphanet 597738, MedGen C4085873, MONDO:0014791, OMIM 616831.

Submission:

Labcorp Genetics (formerly Invitae), Labcorp
Classification: Uncertain significance for Luscan-Lumish syndrome. Last evaluated: 2019-10-21. Review status: criteria provided, single submitter. Criteria: Invitae Variant Classification Sherloc (09022015). Collection method: clinical testing. Allele origin: germline.
Comment: In summary, the available evidence is currently insufficient to determine the role of this variant in disease. Therefore, it has been classified as a Variant of Uncertain Significance. Algorithms developed to predict the effect of missense changes on protein structure and function (SIFT, PolyPhen-2, Align-GVGD) all suggest that this variant is likely to be tolerated, but these predictions have not been confirmed by published functional studies and their clinical significance is uncertain. This variant has not been reported in the literature in individuals with SETD2-related conditions. ClinVar contains an entry for this variant (Variation ID: 582125). This variant is not present in population databases (ExAC no frequency). This sequence change replaces serine with leucine at codon 486 of the SETD2 protein (p.Ser486Leu). The serine residue is highly conserved and there is a large physicochemical difference between serine and leucine.

NM_014159.7(SETD2):c.1457C>T (p.Ser486Leu)

Gene: SETD2 (SET domain containing 2, histone lysine methyltransferase; minus strand). Cytogenetic location: 3p21.31.
Variant type: single nucleotide variant.
Coding change: c.1457C>T on transcript NM_014159.7 (MANE Select); coding-DNA position 1457, C replaced by T.
Protein change: p.Ser486Leu; replaces serine 486 with leucine.
Molecular consequence: missense variant. On other transcripts: non-coding transcript variant (1).
Genome position (GRCh38, 1-based): chr3:47,123,179, G>A on the plus strand (C>T on the coding strand, the complement: SETD2 is on the minus strand). VCF-style: chr3-47123179-G-A. GRCh37 (hg19) VCF-style: chr3-47164669-G-A.
Other names: c.1325C>T, p.Ser442Leu (NM_001349370.3); short protein forms S486L, S442L.
Identifiers: ClinVar variation 582125 (VCV000582125.7), dbSNP rs1559748168, ClinGen allele CA352530532.